The following is an entry in ClinVar:

ClinVar aggregate classification (germline): Uncertain significance (1 of 4 stars; one submission).

Submission:

GeneDx
Classification: Uncertain significance. Last evaluated: 2023-07-06. Review status: criteria provided, single submitter. Criteria: GeneDx Variant Classification Process June 2021. Collection method: clinical testing. Allele origin: germline. Affected: yes.
Comment: Not observed at significant frequency in large population cohorts (gnomAD); In silico analysis supports that this missense variant has a deleterious effect on protein structure/function; Has not been previously published as pathogenic or benign to our knowledge

NM_021098.3(CACNA1H):c.5224G>A (p.Val1742Met)

Gene: CACNA1H (calcium voltage-gated channel subunit alpha1 H; plus strand). Cytogenetic location: 16p13.3.
Variant type: single nucleotide variant.
Coding change: c.5224G>A on transcript NM_021098.3 (MANE Select); coding-DNA position 5224, G replaced by A.
Protein change: p.Val1742Met; replaces valine 1742 with methionine.
Molecular consequence: missense variant.
Genome position (GRCh38, 1-based): chr16:1,215,573, G>A. VCF-style: chr16-1215573-G-A. GRCh37 (hg19) VCF-style: chr16-1265573-G-A.
Other names: c.5206G>A, p.Val1736Met (NM_001005407.2); short protein forms V1736M, V1742M.
Identifiers: ClinVar variation 3360749 (VCV003360749.1).
Genomic context (GRCh38, chr16:1,215,573, plus strand): 5'-CCGGCCCTAGTGCTGAAGCTGCTGAAGATGGCTACGGGCATGCGCGCCCTGCTGGACACT[G>A]TGGTGCAAGCTCTCCCCCAGGTAGGTGGAGCCCGCGCCATCCTCAGCGCAGGCCCCCGGA-3'
Protein context (NP_066921.2, residues 1732-1752): ATGMRALLDT[Val1742Met]VQALPQVGNL